The following is an entry in ClinVar:

ClinVar aggregate classification (germline): Uncertain significance (1 of 4 stars; one submission).

Allele frequency attached by ClinVar (database versions not stated): gnomAD 0.00001; TOPMed 0.00001.
gnomAD v4.1: 1 of 1,613,150 alleles (0.000062%); highest among the groups gnomAD compares: Non-Finnish European, 0.000085%; no homozygotes.

Submission:

Labcorp Genetics (formerly Invitae), Labcorp
Classification: Uncertain significance. Last evaluated: 2024-01-19. Review status: criteria provided, single submitter. Criteria: Invitae Variant Classification Sherloc (09022015). Collection method: clinical testing. Allele origin: germline.
Comment: This sequence change replaces glycine, which is neutral and non-polar, with alanine, which is neutral and non-polar, at codon 102 of the SLC7A14 protein (p.Gly102Ala). This variant is not present in population databases (gnomAD no frequency). This variant has not been reported in the literature in individuals affected with SLC7A14-related conditions. ClinVar contains an entry for this variant (Variation ID: 1498835). An algorithm developed to predict the effect of missense changes on protein structure and function (PolyPhen-2) suggests that this variant is likely to be disruptive. In summary, the available evidence is currently insufficient to determine the role of this variant in disease. Therefore, it has been classified as a Variant of Uncertain Significance.

NM_020949.3(SLC7A14):c.305G>C (p.Gly102Ala)

Genes: SLC7A14 (solute carrier family 7 member 14; minus strand), SLC7A14-AS1 (SLC7A14 antisense RNA 1; plus strand). Cytogenetic location: 3q26.2.
Variant type: single nucleotide variant.
Coding change: c.305G>C on transcript NM_020949.3 (MANE Select); coding-DNA position 305, G replaced by C.
Protein change: p.Gly102Ala; replaces glycine 102 with alanine.
Molecular consequence: missense variant.
Genome position (GRCh38, 1-based): chr3:170,501,345, C>G on the plus strand (G>C on the coding strand, the complement: SLC7A14 is on the minus strand). VCF-style: chr3-170501345-C-G. GRCh37 (hg19) VCF-style: chr3-170219134-C-G.
Other names: short protein forms G102A.
Identifiers: ClinVar variation 1498835 (VCV001498835.8), dbSNP rs1468058450, ClinGen allele CA355517627.